The following is an entry in ClinVar:

ClinVar aggregate classification (germline): Uncertain significance. Review status: criteria provided, multiple submitters, no conflicts (2 of 4 stars). 2 submissions from 2 submitters: Uncertain significance (2). Last evaluated 2025-05-01.

Conditions:
ANK2-related disorder. Also called: ANK2-related condition.

Allele frequency attached by ClinVar (database versions not stated): gnomAD 0.00001; gnomAD exomes 0.00002; TOPMed 0.00002.
gnomAD v4.1: 6 of 456,156 alleles (0.0013%); highest among the groups gnomAD compares: Middle Eastern, 0.032%; no homozygotes.

Submissions (2):

CeGaT Center for Human Genetics Tuebingen
Classification: Uncertain significance. Last evaluated: 2025-05-01. Review status: criteria provided, single submitter. Criteria: CeGaT Center For Human Genetics Tuebingen Variant Classification Criteria Version 2. Collection method: clinical testing. Allele origin: germline. Affected: yes. Observed: 1 variant allele.
Comment: ANK2: PM2, BP4

PreventionGenetics, part of Exact Sciences
Classification: Uncertain significance for ANK2-related condition. Last evaluated: 2023-09-19. Review status: criteria provided, single submitter. Criteria: ACMG Guidelines, 2015. Collection method: clinical testing. Allele origin: germline.
Comment: The ANK2 c.105A>C variant is predicted to result in the amino acid substitution p.Arg35Ser. To our knowledge, this variant has not been reported in the literature. This variant is reported in 0.0021% of alleles in individuals of European (Non-Finnish) descent in gnomAD. At this time, the clinical significance of this variant is uncertain due to the absence of conclusive functional and genetic evidence.

NM_001148.6(ANK2):c.85-57022A>C

Gene: ANK2 (ankyrin 2; plus strand). Cytogenetic location: 4q25.
Variant type: single nucleotide variant.
Coding change: c.85-57022A>C on transcript NM_001148.6 (MANE Select); 57022 bases into the intron before coding-DNA position 85, A replaced by C.
Molecular consequence: intron variant. On other transcripts: missense variant (7).
Genome position (GRCh38, 1-based): chr4:113,117,394, A>C. VCF-style: chr4-113117394-A-C. GRCh37 (hg19) VCF-style: chr4-114038550-A-C.
Other names: c.105A>C, p.Arg35Ser (NM_001354230.2, NM_001354231.2, NM_001354237.2 and 4 more transcripts); c.73-57022A>C (NM_001386186.2, NM_001386148.2, NM_001354269.3 and 1 more transcripts); c.22-33686A>C (NM_001386147.1, NM_001386160.1, NM_001354261.2); c.22-57022A>C (NM_001354254.2, NM_001354239.2, NM_001354252.2 and 33 more transcripts); c.85-33686A>C (NM_001354241.2); c.85-57022A>C (NM_001354225.2, NM_001354235.2, NM_001354246.2 and 9 more transcripts); short protein forms R35S.
Identifiers: ClinVar variation 2636331 (VCV002636331.24), dbSNP rs1017475184, ClinGen allele CA104490773.